The following is an entry in ClinVar:

ClinVar aggregate classification (germline): Benign. Review status: criteria provided, multiple submitters, no conflicts (2 of 4 stars). 3 submissions from 3 submitters: Benign (3). Last evaluated 2021-12-29.

Conditions:
Gaze palsy, familial horizontal, with progressive scoliosis 1 (HGPPS1). Identifiers: Orphanet 2744, MedGen C4551964, MONDO:0020790, OMIM 607313.

Allele frequency attached by ClinVar (database versions not stated): TOPMed 0.10887; 1000 Genomes Project 0.11082; 1000 Genomes Project 30x 0.11102; gnomAD exomes 0.07103; ESP Exome Variant Server 0.08941; ExAC 0.09467; gnomAD 0.10045 and 0.10371.

Submissions (3):

GeneDx
Classification: Benign. Last evaluated: 2021-12-29. Review status: criteria provided, single submitter. Criteria: GeneDx Variant Classification Process June 2021. Collection method: clinical testing. Allele origin: germline. Affected: yes.

Illumina Laboratory Services, Illumina
Classification: Benign for Gaze palsy, familial horizontal, with progressive scoliosis 1. Last evaluated: 2018-01-13. Review status: criteria provided, single submitter. Criteria: ICSL Variant Classification Criteria 13 December 2019. Collection method: clinical testing. Allele origin: germline.
Comment: This variant was observed in the ICSL laboratory as part of a predisposition screen in an ostensibly healthy population. It had not been previously curated by ICSL or reported in the Human Gene Mutation Database (HGMD: prior to June 1st, 2018), and was therefore a candidate for classification through an automated scoring system. Utilizing variant allele frequency, disease prevalence and penetrance estimates, and inheritance mode, an automated score was calculated to assess if this variant is too frequent to cause the disease. Based on the score and internal cut-off values, a variant classified as benign is not then subjected to further curation. The score for this variant resulted in a classification of benign for this disease.

Breakthrough Genomics
Classification: Benign. Review status: criteria provided, single submitter. Criteria: ACMG Guidelines, 2015. Collection method: not provided. Allele origin: germline. Inheritance: Autosomal recessive inheritance. Affected: yes.

NM_022370.4(ROBO3):c.2603C>T (p.Pro868Leu)

Genes: ROBO3 (roundabout guidance receptor 3; plus strand), LOC130007006 (ATAC-STARR-seq lymphoblastoid silent region 4035; plus strand). Cytogenetic location: 11q24.2.
Variant type: single nucleotide variant.
Coding change: c.2603C>T on transcript NM_022370.4 (MANE Select); coding-DNA position 2603, C replaced by T.
Protein change: p.Pro868Leu; replaces proline 868 with leucine.
Molecular consequence: missense variant. On other transcripts: 5 prime UTR variant (1), non-coding transcript variant (1).
Genome position (GRCh38, 1-based): chr11:124,876,284, C>T. VCF-style: chr11-124876284-C-T. GRCh37 (hg19) VCF-style: chr11-124746180-C-T.
Other names: c.-251C>T (NM_001370356.1); short protein forms P868L.
Identifiers: ClinVar variation 303255 (VCV000303255.6), dbSNP rs55706177, ClinGen allele CA6343858.